The following is an entry in ClinVar:

ClinVar aggregate classification (germline): Pathogenic (1 of 4 stars; one submission).

Submission:

Labcorp Genetics (formerly Invitae), Labcorp
Classification: Pathogenic. Last evaluated: 2021-09-14. Review status: criteria provided, single submitter. Criteria: Invitae Variant Classification Sherloc (09022015). Collection method: clinical testing. Allele origin: germline.
Comment: This sequence change creates a premature translational stop signal (p.Trp2964*) in the ASPM gene. It is expected to result in an absent or disrupted protein product. Loss-of-function variants in ASPM are known to be pathogenic (PMID: 19028728, 23611254). This variant is not present in population databases (ExAC no frequency). This variant has not been reported in the literature in individuals affected with ASPM-related conditions. For these reasons, this variant has been classified as Pathogenic.

Literature cited by the submitters: PubMed 19028728; PubMed 23611254.

NM_018136.5(ASPM):c.8892G>A (p.Trp2964Ter)

Gene: ASPM (assembly factor for spindle microtubules; minus strand). Cytogenetic location: 1q31.3.
Variant type: single nucleotide variant.
Coding change: c.8892G>A on transcript NM_018136.5 (MANE Select); coding-DNA position 8892, G replaced by A.
Protein change: p.Trp2964Ter; replaces tryptophan 2964 with a stop codon.
Molecular consequence: nonsense.
Genome position (GRCh38, 1-based): chr1:197,096,093, C>T on the plus strand (G>A on the coding strand, the complement: ASPM is on the minus strand). VCF-style: chr1-197096093-C-T. GRCh37 (hg19) VCF-style: chr1-197065223-C-T.
Other names: c.4137G>A, p.Trp1379Ter (NM_001206846.2); short protein forms W1379*, W2964*.
Identifiers: ClinVar variation 1451816 (VCV001451816.6), dbSNP rs201285805, ClinGen allele CA344009426.
Genomic context (GRCh38, chr1:197,096,093, plus strand): 5'-AATAATTTTAACAGCTTTTAATATAGCTAGATATTCTTTGTGTGCTCTCCAACATCTATA[C>T]CAGGCTTGAATCTTGCAGGCAGCTTTCACTTTACATAAATATTTCTTGGCTCTATATCTC-3'